The following is an entry in ClinVar:

ClinVar aggregate classification (germline): Likely benign (1 of 4 stars; one submission).

Submission:

CeGaT Center for Human Genetics Tuebingen
Classification: Likely benign. Last evaluated: 2023-02-01. Review status: criteria provided, single submitter. Criteria: CeGaT Center For Human Genetics Tuebingen Variant Classification Criteria Version 2. Collection method: clinical testing. Allele origin: germline. Affected: yes. Observed: 1 variant allele.
Comment: PTS: PM2:Supporting, BP4, BP7

NM_000317.3(PTS):c.288T>C (p.Asp96=)

Gene: PTS (6-pyruvoyltetrahydropterin synthase; plus strand). Cytogenetic location: 11q23.1.
Variant type: single nucleotide variant.
Coding change: c.288T>C on transcript NM_000317.3 (MANE Select); coding-DNA position 288, T replaced by C.
Protein change: p.Asp96=; no amino-acid change (aspartic acid 96 retained).
Molecular consequence: synonymous variant.
Genome position (GRCh38, 1-based): chr11:112,233,207, T>C. VCF-style: chr11-112233207-T-C. GRCh37 (hg19) VCF-style: chr11-112103930-T-C.
Identifiers: ClinVar variation 2642374 (VCV002642374.24), dbSNP rs2496570906, ClinGen allele CA476797521.
Genomic context (GRCh38, chr11:112,233,207, plus strand): 5'-TTGGTTTTGTCTCTAGGAGGCGATTATGCAGCCCCTTGATCATAAGAATCTGGATATGGA[T>C]GTGCCATACTTTGCAGATGTGGTGAGGTGGGTGGCACTGTATCTTGCCTTATGTGGATTG-3'
Protein context (NP_000308.1, residues 86-106): QPLDHKNLDM[Asp96=]VPYFADVVST